The following is an entry in ClinVar:

ClinVar aggregate classification (germline): Benign (1 of 4 stars; one submission).

Conditions:
Familial adenomatous polyposis 1 (FAP1). Also called: POLYPOSIS, ADENOMATOUS INTESTINAL; FAMILIAL ADENOMATOUS POLYPOSIS 1, ATTENUATED. Identifiers: MedGen C2713442, MONDO:0021056, OMIM 175100. Disease mechanism: loss of function.

Submission:

Myriad Genetics, Inc.
Classification: Benign for Familial adenomatous polyposis 1. Last evaluated: 2024-03-11. Review status: criteria provided, single submitter. Criteria: Myriad Autosomal Dominant, Autosomal Recessive and X-Linked Classification Criteria (2023). Collection method: clinical testing. Allele origin: unknown.
Comment: This variant is considered benign. This variant is a silent/synonymous amino acid change and it is not expected to impact splicing.

NM_000038.6(APC):c.2256T>G (p.Leu752=)

Gene: APC (APC regulator of Wnt signaling pathway; plus strand). Cytogenetic location: 5q22.2.
Variant type: single nucleotide variant.
Coding change: c.2256T>G on transcript NM_000038.6 (MANE Select); coding-DNA position 2256, T replaced by G.
Protein change: p.Leu752=; no amino-acid change (leucine 752 retained).
Molecular consequence: synonymous variant. On other transcripts: non-coding transcript variant (2).
Genome position (GRCh38, 1-based): chr5:112,837,850, T>G. VCF-style: chr5-112837850-T-G. GRCh37 (hg19) VCF-style: chr5-112173547-T-G.
Other names: c.2256T>G, p.Leu752= (NM_001127510.3, NM_001354895.2, NM_001407450.1); c.2202T>G, p.Leu734= (NM_001127511.3); c.2310T>G, p.Leu770= (NM_001354896.2, NM_001407447.1, NM_001407448.1 and 1 more transcripts); c.2286T>G, p.Leu762= (NM_001354897.2); c.2181T>G, p.Leu727= (NM_001354898.2); c.2172T>G, p.Leu724= (NM_001354899.2); c.2133T>G, p.Leu711= (NM_001354900.2); c.2079T>G, p.Leu693= (NM_001354901.2, NM_001407453.1); and 11 more.
Identifiers: ClinVar variation 3148190 (VCV003148190.1), dbSNP rs2149864677, ClinGen allele CA445963285.